The following is an entry in ClinVar:

ClinVar aggregate classification (germline): Uncertain significance (1 of 4 stars; one submission).

Submission:

Labcorp Genetics (formerly Invitae), Labcorp
Classification: Uncertain significance. Last evaluated: 2025-02-03. Review status: criteria provided, single submitter. Criteria: Invitae Variant Classification Sherloc (09022015). Collection method: clinical testing. Allele origin: germline.
Comment: This sequence change replaces leucine, which is neutral and non-polar, with proline, which is neutral and non-polar, at codon 893 of the ARHGEF18 protein (p.Leu893Pro). This variant is not present in population databases (gnomAD no frequency). This variant has not been reported in the literature in individuals affected with ARHGEF18-related conditions. ClinVar contains an entry for this variant (Variation ID: 1992702). An algorithm developed to predict the effect of missense changes on protein structure and function (PolyPhen-2) suggests that this variant is likely to be disruptive. In summary, the available evidence is currently insufficient to determine the role of this variant in disease. Therefore, it has been classified as a Variant of Uncertain Significance.

NM_001367823.1(ARHGEF18):c.3242T>C (p.Leu1081Pro)

Gene: ARHGEF18 (Rho/Rac guanine nucleotide exchange factor 18; plus strand). Cytogenetic location: 19p13.2.
Variant type: single nucleotide variant.
Coding change: c.3242T>C on transcript NM_001367823.1 (MANE Select); coding-DNA position 3242, T replaced by C.
Protein change: p.Leu1081Pro; replaces leucine 1081 with proline.
Molecular consequence: missense variant.
Genome position (GRCh38, 1-based): chr19:7,467,446, T>C. VCF-style: chr19-7467446-T-C. GRCh37 (hg19) VCF-style: chr19-7532332-T-C.
Other names: c.2516T>C, p.Leu839Pro (NM_001130955.2); c.2204T>C, p.Leu735Pro (NM_001367824.1, NM_015318.4); short protein forms L1081P, L735P, L839P.
Identifiers: ClinVar variation 1992702 (VCV001992702.4), dbSNP rs778235143, ClinGen allele CA403088466.
Genomic context (GRCh38, chr19:7,467,446, plus strand): 5'-GCCAGCTGCGGCACGAGCAGCAGCGCTGGGAGCGCGAGCGCCAGTGGCAGCACCAGGAGC[T>C]GGAGCGTGCGGGCGCGCGGCTGCAGGAGCGCGAGGGCGAGGCGCGGCAGCTACGCGAGCG-3'
Protein context (NP_001354752.1, residues 1071-1091): ERERQWQHQE[Leu1081Pro]ERAGARLQER